The following is an entry in ClinVar:

NM_004526.4(MCM2):c.445C>T (p.Arg149Cys)

Gene: MCM2 (minichromosome maintenance complex component 2; plus strand). Cytogenetic location: 3q21.3.
Variant type: single nucleotide variant.
Coding change: c.445C>T on transcript NM_004526.4 (MANE Select); coding-DNA position 445, C replaced by T.
Protein change: p.Arg149Cys; replaces arginine 149 with cysteine.
Molecular consequence: missense variant. On other transcripts: non-coding transcript variant (1).
Genome position (GRCh38, 1-based): chr3:127,604,928, C>T. VCF-style: chr3-127604928-C-T. GRCh37 (hg19) VCF-style: chr3-127323771-C-T.
Other names: c.445C>T (NM_004526.3); short protein forms R149C.
Identifiers: ClinVar variation 2884529 (VCV002884529.4), dbSNP rs769924051, ClinGen allele CA2595588.

ClinVar aggregate classification (germline): Uncertain significance. Review status: criteria provided, multiple submitters, no conflicts (2 of 4 stars). 2 submissions from 2 submitters: Uncertain significance (2). Last evaluated 2026-09-14.

Conditions:
MCM2-related disorder. Also called: MCM2-related condition.

gnomAD v4.1: 17 of 1,613,134 alleles (0.0011%); highest among the groups gnomAD compares: Admixed American, 0.012%; no homozygotes.

Submissions (2):

PreventionGenetics, part of Exact Sciences
Classification: Uncertain significance for MCM2-related condition. Last evaluated: 2026-09-14. Review status: criteria provided, single submitter. Criteria: ACMG Guidelines, 2015. Collection method: clinical testing. Allele origin: germline.
Comment: The MCM2 c.445C>T variant is predicted to result in the amino acid substitution p.Arg149Cys. This variant was reported in an individual with hearing loss, although this patient also had potentially causative variants in other genes (Supplementary Data, Florentine et al. 2022. PubMed ID: 34515852). This variant is reported in 0.014% of alleles in individuals of Latino descent in gnomAD. At this time, the clinical significance of this variant is uncertain due to the absence of conclusive functional and genetic evidence.

Labcorp Genetics (formerly Invitae), Labcorp
Classification: Uncertain significance. Last evaluated: 2023-08-10. Review status: criteria provided, single submitter. Criteria: Invitae Variant Classification Sherloc (09022015). Collection method: clinical testing. Allele origin: germline.
Comment: An algorithm developed to predict the effect of missense changes on protein structure and function (PolyPhen-2) suggests that this variant is likely to be disruptive. In summary, the available evidence is currently insufficient to determine the role of this variant in disease. Therefore, it has been classified as a Variant of Uncertain Significance. This variant has not been reported in the literature in individuals affected with MCM2-related conditions. This variant is present in population databases (rs769924051, gnomAD 0.02%). This sequence change replaces arginine, which is basic and polar, with cysteine, which is neutral and slightly polar, at codon 149 of the MCM2 protein (p.Arg149Cys).